The following is an entry in ClinVar:

ClinVar aggregate classification (germline): Uncertain significance. Review status: criteria provided, multiple submitters, no conflicts (2 of 4 stars). 4 submissions from 4 submitters: Uncertain significance (4). Last evaluated 2023-12-31.

Conditions:
CHRND-related disorder. Also called: CHRND-Related Disorders; CHRND-related condition.
Congenital myasthenic syndrome 3C. Also called: Myasthenic syndrome, congenital, 3c, associated with acetylcholine receptor deficiency. Identifiers: Orphanet 590, MedGen C4225370, MONDO:0014585, OMIM 616323.
Lethal multiple pterygium syndrome (LMPS). Identifiers: Orphanet 33108, MedGen C1854678, MONDO:0009668, OMIM 253290.

Allele frequency attached by ClinVar (database versions not stated): gnomAD 0.00001; TOPMed 0.00001; gnomAD exomes 0.00002 and 0.00003; ExAC 0.00006.
gnomAD v4.1: 32 of 1,614,098 alleles (0.002%); highest among the groups gnomAD compares: South Asian, 0.0033%; no homozygotes.

Submissions (4):

GeneDx
Classification: Uncertain significance. Last evaluated: 2023-12-31. Review status: criteria provided, single submitter. Criteria: GeneDx Variant Classification Process June 2021. Collection method: clinical testing. Allele origin: germline. Affected: yes.
Comment: Reported as c.1271T>C (p.I424T) using an alternate transcript of the gene along with a second variant in the CHRND gene in a patient with congenital myasthenic syndrome in published literature; however, segregation information was not provided (PMID: 23108489); In silico analysis supports that this missense variant has a deleterious effect on protein structure/function; This variant is associated with the following publications: (PMID: 34426522, 37721175, 23108489)

Labcorp Genetics (formerly Invitae), Labcorp
Classification: Uncertain significance for Lethal multiple pterygium syndrome. Last evaluated: 2023-05-23. Review status: criteria provided, single submitter. Criteria: Invitae Variant Classification Sherloc (09022015). Collection method: clinical testing. Allele origin: germline.
Comment: In summary, the available evidence is currently insufficient to determine the role of this variant in disease. Therefore, it has been classified as a Variant of Uncertain Significance. Advanced modeling of protein sequence and biophysical properties (such as structural, functional, and spatial information, amino acid conservation, physicochemical variation, residue mobility, and thermodynamic stability) performed at Invitae indicates that this missense variant is not expected to disrupt CHRND protein function. ClinVar contains an entry for this variant (Variation ID: 953201). This missense change has been observed in individual(s) with congenital myasthenic syndrome (PMID: 23108489). This variant is present in population databases (rs573680102, gnomAD 0.006%). This sequence change replaces isoleucine, which is neutral and non-polar, with threonine, which is neutral and polar, at codon 445 of the CHRND protein (p.Ile445Thr).

PreventionGenetics, part of Exact Sciences
Classification: Uncertain significance for CHRND-related condition. Last evaluated: 2023-01-27. Review status: criteria provided, single submitter. Criteria: ACMG Guidelines, 2015. Collection method: clinical testing. Allele origin: germline.
Comment: The CHRND c.1334T>C variant is predicted to result in the amino acid substitution p.Ile445Thr. This variant has been reported in a patient with autosomal recessive congenital myasthenic syndrome (described as p.Ile424Thr, Servais et al. 2013. PubMed ID: 23108489). This variant is reported in 0.0062% of alleles in individuals of European (Non-Finnish) descent in gnomAD. At this time, the clinical significance of this variant is uncertain due to the absence of conclusive functional and genetic evidence.

Broad Center for Mendelian Genomics, Broad Institute of MIT and Harvard
Classification: Uncertain significance for Congenital myasthenic syndrome 3C. Last evaluated: 2022-05-04. Review status: criteria provided, single submitter. Criteria: ACMG Guidelines, 2015. Collection method: curation. Allele origin: germline. Inheritance: Autosomal recessive inheritance.
Comment: The variant has not been previously reported in individuals with congenital myasthenic syndrome 3C but has been identified in 0.006% (7/113760) of European non-Finnish chromosomes by the Genome Aggregation Database (gnomAD; dbSNP ID: rs573680102). Although this variant has been seen in the general population, its frequency is low enough to be consistent with a recessive carrier frequency. Computational prediction tools and conservation analyses suggest that this variant may impact the protein, though this information is not predictive enough to determine pathogenicity. In summary, while there is some suspicion for a pathogenic role, the clinical significance of this variant is uncertain. ACMG/AMP Criteria applied: PM2, PP3, PM3_supporting (Richards 2015).

Literature cited by the submitters: PubMed 23108489 (cited by Labcorp Genetics (formerly Invitae), Labcorp).

NM_000751.3(CHRND):c.1334T>C (p.Ile445Thr)

Gene: CHRND (cholinergic receptor nicotinic delta subunit; plus strand). Cytogenetic location: 2q37.1.
Variant type: single nucleotide variant.
Coding change: c.1334T>C on transcript NM_000751.3 (MANE Select); coding-DNA position 1334, T replaced by C.
Protein change: p.Ile445Thr; replaces isoleucine 445 with threonine.
Molecular consequence: missense variant.
Genome position (GRCh38, 1-based): chr2:232,534,305, T>C. VCF-style: chr2-232534305-T-C. GRCh37 (hg19) VCF-style: chr2-233399015-T-C.
Other names: NM_001311196.2:c.1031T>C; c.1289T>C, p.Ile430Thr (NM_001256657.2); c.752T>C, p.Ile251Thr (NM_001311195.2); c.1031T>C, p.Ile344Thr (NM_001311196.2); short protein forms I251T, I445T, I430T, I344T.
Identifiers: ClinVar variation 953201 (VCV000953201.10), dbSNP rs573680102, ClinGen allele CA2168324.